The following is an entry in ClinVar:

NM_000540.3(RYR1):c.6926G>A (p.Ser2309Asn)

Gene: RYR1 (ryanodine receptor 1; plus strand). Cytogenetic location: 19q13.2.
Variant type: single nucleotide variant.
Coding change: c.6926G>A on transcript NM_000540.3 (MANE Select); coding-DNA position 6926, G replaced by A.
Protein change: p.Ser2309Asn; replaces serine 2309 with asparagine.
Molecular consequence: missense variant.
Genome position (GRCh38, 1-based): chr19:38,499,142, G>A. VCF-style: chr19-38499142-G-A. GRCh37 (hg19) VCF-style: chr19-38989782-G-A.
Other names: c.6926G>A, p.Ser2309Asn (NM_001042723.2); short protein forms S2309N.
Identifiers: ClinVar variation 1448540 (VCV001448540.9), dbSNP rs2145597847, ClinGen allele CA405667182.
Genomic context (GRCh38, chr19:38,499,142, plus strand): 5'-TCTGACTGAGCCCCTTCTGCCCCCAGGTTGTGTCCTACCTGGCAGGCTGTGGCCTCCAGA[G>A]CTGCCCCATGCTTGTGGCCAAAGGGTACCCAGACATTGGCTGGAACCCCTGTGGTGGAGA-3'
Protein context (NP_000531.2, residues 2299-2319): VSYLAGCGLQ[Ser2309Asn]CPMLVAKGYP

ClinVar aggregate classification (germline): Uncertain significance. Review status: criteria provided, multiple submitters, no conflicts (2 of 4 stars). 2 submissions from 2 submitters: Uncertain significance (2). Last evaluated 2025-07-29.

Conditions:
Malignant hyperthermia, susceptibility to, 1 (MHS1). Also called: RYR1-Related Malignant Hyperthermia Susceptibility; Malignant hyperthermia suceptibility 1; Anesthesia related hyperthermia; Malignant hyperpyrexia; Fulminating hyperpyrexia; Pharmacogenic myopathy. Identifiers: Orphanet 423, MedGen C2930980, MONDO:0007783, OMIM 145600.
RYR1-related disorder. Also called: RYR1-related condition; RYR1-related disorders. Identifiers: MedGen CN239331.

Allele frequency attached by ClinVar (database versions not stated): gnomAD exomes below 0.00001.
gnomAD v4.1: 2 of 1,614,194 alleles (0.00012%); highest among the groups gnomAD compares: Admixed American, 0.0033%; no homozygotes.

Submissions (2):

Labcorp Genetics (formerly Invitae), Labcorp
Classification: Uncertain significance for RYR1-related disorder. Last evaluated: 2025-07-29. Review status: criteria provided, single submitter. Criteria: Invitae Variant Classification Sherloc (09022015). Collection method: clinical testing. Allele origin: germline.
Comment: This sequence change replaces serine, which is neutral and polar, with asparagine, which is neutral and polar, at codon 2309 of the RYR1 protein (p.Ser2309Asn). This variant is not present in population databases (gnomAD no frequency). This variant has not been reported in the literature in individuals affected with RYR1-related conditions. ClinVar contains an entry for this variant (Variation ID: 1448540). Invitae Evidence Modeling of protein sequence and biophysical properties (such as structural, functional, and spatial information, amino acid conservation, physicochemical variation, residue mobility, and thermodynamic stability) indicates that this missense variant is not expected to disrupt RYR1 protein function with a negative predictive value of 80%. In summary, the available evidence is currently insufficient to determine the role of this variant in disease. Therefore, it has been classified as a Variant of Uncertain Significance.

All of Us Research Program, National Institutes of Health
Classification: Uncertain significance for Malignant hyperthermia, susceptibility to, 1. Last evaluated: 2023-06-26. Review status: criteria provided, single submitter. Criteria: ACMG Guidelines, 2015. Collection method: clinical testing. Allele origin: germline. Inheritance: Autosomal dominant inheritance. Observed: 1 variant allele, 1 heterozygote.
Comment: This missense variant replaces serine with asparagine at codon 2309 of the RYR1 protein. Computational prediction suggests that this variant may not impact protein structure and function (internally defined REVEL score threshold <= 0.5, PMID: 27666373). To our knowledge, functional studies have not been reported for this variant. This variant has not been reported in individuals affected with RYR1-related disorders in the literature. This variant has not been identified in the general population by the Genome Aggregation Database (gnomAD). The available evidence is insufficient to determine the role of this variant in disease conclusively. Therefore, this variant is classified as a Variant of Uncertain Significance.

This study involves interpretation of variants in research participants for the purpose of population health screening. Participant phenotype was not available at the time of variant classification. Additional details can be found in publication PMID: 35346344, PMCID: PMC8962531